The following is an entry in ClinVar:

ClinVar aggregate classification (germline): Likely benign. Review status: criteria provided, multiple submitters, no conflicts (2 of 4 stars). 5 submissions from 5 submitters: Likely benign (5). Last evaluated 2026-04-27.

Conditions:
Cardiovascular phenotype. Identifiers: MedGen CN230736.
Cardiomyopathy (CMYO). Also called: Cardiomyopathies. Identifiers: Orphanet 167848, MedGen C0878544, MONDO:0004994, HP:0001638. Inheritance: Various modes of inheritance.
Hypertrophic cardiomyopathy. Also called: HYPERTROPHIC MYOCARDIOPATHY. Identifiers: Orphanet 217569, MedGen C0007194, MeSH D002312, MONDO:0005045, HP:0001639.

Allele frequency attached by ClinVar (database versions not stated): gnomAD 0.00001.
gnomAD v4.1: 26 of 1,614,128 alleles (0.0016%); highest among the groups gnomAD compares: South Asian, 0.023%; no homozygotes.

Submissions (5):

Women's Health and Genetics/Laboratory Corporation of America, LabCorp
Classification: Likely benign. Last evaluated: 2026-04-27. Review status: criteria provided, single submitter. Criteria: LabCorp Variant Classification Summary - May 2015. Collection method: clinical testing. Allele origin: germline.

Labcorp Genetics (formerly Invitae), Labcorp
Classification: Likely benign for Hypertrophic cardiomyopathy. Last evaluated: 2025-10-25. Review status: criteria provided, single submitter. Criteria: Invitae Variant Classification Sherloc (09022015). Collection method: clinical testing. Allele origin: germline.

Ambry Genetics
Classification: Likely benign for Cardiovascular phenotype. Last evaluated: 2025-01-19. Review status: criteria provided, single submitter. Criteria: Ambry Variant Classification Scheme 2023. Collection method: clinical testing. Allele origin: germline.

All of Us Research Program, National Institutes of Health
Classification: Likely benign for Cardiomyopathy. Last evaluated: 2023-11-02. Review status: criteria provided, single submitter. Criteria: ACMG Guidelines, 2015. Collection method: clinical testing. Allele origin: germline. Inheritance: Autosomal dominant inheritance. Observed: 2 variant alleles, 2 heterozygotes.
Comment: This study involves interpretation of variants in research participants for the purpose of population health screening. Participant phenotype was not available at the time of variant classification. Additional details can be found in publication PMID: 35346344, PMCID: PMC8962531

Color Diagnostics, LLC DBA Color Health
Classification: Likely benign for Cardiomyopathy. Last evaluated: 2018-10-08. Review status: criteria provided, single submitter. Criteria: ACMG Guidelines, 2015. Collection method: clinical testing. Allele origin: germline.

NM_000257.4(MYH7):c.705C>T (p.Thr235=)

Gene: MYH7 (myosin heavy chain 7; minus strand). Cytogenetic location: 14q11.2.
Variant type: single nucleotide variant.
Coding change: c.705C>T on transcript NM_000257.4 (MANE Select); coding-DNA position 705, C replaced by T.
Protein change: p.Thr235=; no amino-acid change (threonine 235 retained).
Molecular consequence: synonymous variant.
Genome position (GRCh38, 1-based): chr14:23,431,612, G>A on the plus strand (C>T on the coding strand, the complement: MYH7 is on the minus strand). VCF-style: chr14-23431612-G-A. GRCh37 (hg19) VCF-style: chr14-23900821-G-A.
Other names: c.705C>T (LRG_384t1).
Identifiers: ClinVar variation 520307 (VCV000520307.17), dbSNP rs552415639, ClinGen allele CA048771.